The following is an entry in ClinVar:

ClinVar aggregate classification (germline): Benign (1 of 4 stars; one submission).

Allele frequency attached by ClinVar (database versions not stated): gnomAD 0.00205 and 0.00188; TOPMed 0.00218; 1000 Genomes Project 30x 0.00156; 1000 Genomes Project 0.00180.

Submission:

Women's Health and Genetics/Laboratory Corporation of America, LabCorp
Classification: Benign. Last evaluated: 2022-03-08. Review status: criteria provided, single submitter. Criteria: LabCorp Variant Classification Summary - May 2015. Collection method: clinical testing. Allele origin: germline.
Comment: Variant summary: HEXA c.-2523T>C is located in the untranscribed region upstream of the HEXA gene region. The variant allele was found at a frequency of 0.0018 in 31382 control chromosomes, predominantly at a frequency of 0.0063 within the African or African-American subpopulation in the gnomAD database. The observed variant frequency within African or African-American control individuals in the gnomAD database is approximately 4.51 fold of the estimated maximal expected allele frequency for a pathogenic variant in HEXA causing Tay-Sachs Disease phenotype (0.0014), strongly suggesting that the variant is a benign polymorphism found primarily in populations of African or African-American origin. To our knowledge, no occurrence of c.-2523T>C in individuals affected with Tay-Sachs Disease and no experimental evidence demonstrating its impact on protein function have been reported. No clinical diagnostic laboratories have submitted clinical-significance assessments for this variant to ClinVar after 2014. Based on the evidence outlined above, the variant was classified as benign.

NM_000520.5(HEXA):c.-2523T>C

Genes: HEXA (hexosaminidase subunit alpha; minus strand), HEXA-AS1 (HEXA antisense RNA 1; plus strand). Cytogenetic location: 15q23.
Variant type: single nucleotide variant.
Coding change: c.-2523T>C on transcript NM_000520.5; 2523 bases upstream of the start codon, T replaced by C.
Molecular consequence: non-coding transcript variant (on NR_027262.1).
Genome position (GRCh38, 1-based): chr15:72,378,495, A>G on the plus strand (T>C on the coding strand, the complement: HEXA is on the minus strand). VCF-style: chr15-72378495-A-G. GRCh37 (hg19) VCF-style: chr15-72670836-A-G.
Identifiers: ClinVar variation 1677038 (VCV001677038.3), dbSNP rs189707796, ClinGen allele CA272633575.
Genomic context (GRCh38, chr15:72,378,495, plus strand): 5'-AGGAAATCCCATCTCTCTTTATTTTTTTCTTTTTTGAGATGGGGGTGGTTAATGGGTACA[A>G]AAAAAGTAGCCTGAATAAGACATACTATTCGAGAGCACAATAGGGTGACTATAGTCAATA-3'